The following is an entry in ClinVar:

NM_014629.4(ARHGEF10):c.2321A>C (p.Lys774Thr)

Gene: ARHGEF10 (Rho guanine nucleotide exchange factor 10; plus strand). Cytogenetic location: 8p23.3.
Variant type: single nucleotide variant.
Coding change: c.2321A>C on transcript NM_014629.4 (MANE Select); coding-DNA position 2321, A replaced by C.
Protein change: p.Lys774Thr; replaces lysine 774 with threonine.
Molecular consequence: missense variant.
Genome position (GRCh38, 1-based): chr8:1,923,529, A>C. VCF-style: chr8-1923529-A-C. GRCh37 (hg19) VCF-style: chr8-1871695-A-C.
Other names: c.2207A>C, p.Lys736Thr (NM_001308152.2); c.2321A>C, p.Lys774Thr (NM_001308153.3); short protein forms K736T, K774T, K798T.
Identifiers: ClinVar variation 3234612 (VCV003234612.20), dbSNP rs1439592104, ClinGen allele CA369965639.

ClinVar aggregate classification (germline): Uncertain significance (1 of 4 stars; one submission).

gnomAD v4.1: 2 of 1,614,140 alleles (0.00012%); highest among the groups gnomAD compares: Non-Finnish European, 0.00017%; no homozygotes.

Submission:

CeGaT Center for Human Genetics Tuebingen
Classification: Uncertain significance. Last evaluated: 2024-04-01. Review status: criteria provided, single submitter. Criteria: CeGaT Center For Human Genetics Tuebingen Variant Classification Criteria Version 2. Collection method: clinical testing. Allele origin: germline. Affected: yes. Observed: 1 variant allele.
Comment: ARHGEF10: PM2